The following is an entry in ClinVar:

NM_012309.5(SHANK2):c.3508G>A (p.Gly1170Arg)

Gene: SHANK2 (SH3 and multiple ankyrin repeat domains 2; minus strand). Cytogenetic location: 11q13.3.
Variant type: single nucleotide variant.
Coding change: c.3508G>A on transcript NM_012309.5 (MANE Select); coding-DNA position 3508, G replaced by A.
Protein change: p.Gly1170Arg; replaces glycine 1170 with arginine.
Molecular consequence: missense variant.
Genome position (GRCh38, 1-based): chr11:70,486,785, C>T on the plus strand (G>A on the coding strand, the complement: SHANK2 is on the minus strand). VCF-style: chr11-70486785-C-T. GRCh37 (hg19) VCF-style: chr11-70332890-C-T.
Other names: c.2371G>A, p.Gly791Arg (NM_001379226.1); c.1744G>A, p.Gly582Arg (NM_133266.5); short protein forms G582R, G791R, G1170R.
Identifiers: ClinVar variation 1345790 (VCV001345790.5), dbSNP rs143671037, ClinGen allele CA6161100.
Genomic context (GRCh38, chr11:70,486,785, plus strand): 5'-AGGGCACTGCTGGGCTGCTCTCGGGCCCCTGGGCTTTGGACGTGGAATTCAGCGGCCTCC[C>T]AGCCTCACCCGGAGCACTGGCCTCGGCGCCACCCACGAAATGGTTTTCGGGCTCCCTGGG-3'
Protein context (NP_036441.2, residues 1160-1180): GAEASAPGEA[Gly1170Arg]RPLNSTSKAQ

ClinVar aggregate classification (germline): Uncertain significance (1 of 4 stars; one submission).

Allele frequency attached by ClinVar (database versions not stated): TOPMed 0.00009; gnomAD 0.00011; ESP Exome Variant Server 0.00023.
gnomAD v4.1: 271 of 1,611,828 alleles (0.017%); highest among the groups gnomAD compares: Non-Finnish European, 0.022%; no homozygotes.

Submission:

Labcorp Genetics (formerly Invitae), Labcorp
Classification: Uncertain significance. Last evaluated: 2021-09-02. Review status: criteria provided, single submitter. Criteria: Invitae Variant Classification Sherloc (09022015). Collection method: clinical testing. Allele origin: germline.
Comment: This sequence change replaces glycine with arginine at codon 582 of the SHANK2 protein (p.Gly582Arg). The glycine residue is weakly conserved and there is a moderate physicochemical difference between glycine and arginine. This variant is present in population databases (rs143671037, ExAC 0.02%), and has an allele count higher than expected for a pathogenic variant (PMID: 28166811). This variant has not been reported in the literature in individuals affected with SHANK2-related conditions. Algorithms developed to predict the effect of missense changes on protein structure and function are either unavailable or do not agree on the potential impact of this missense change (SIFT: "Deleterious"; PolyPhen-2: "Not Available"; Align-GVGD: "Class C0"). In summary, the available evidence is currently insufficient to determine the role of this variant in disease. Therefore, it has been classified as a Variant of Uncertain Significance.

Literature cited by the submitters: PubMed 28166811.